The following is an entry in ClinVar:

NM_001174150.2(ARL13B):c.1159A>G (p.Lys387Glu)

Gene: ARL13B (ARF like GTPase 13B; plus strand). Cytogenetic location: 3q11.2.
Variant type: single nucleotide variant.
Coding change: c.1159A>G on transcript NM_001174150.2 (MANE Select); coding-DNA position 1159, A replaced by G.
Protein change: p.Lys387Glu; replaces lysine 387 with glutamic acid.
Molecular consequence: missense variant. On other transcripts: non-coding transcript variant (2).
Genome position (GRCh38, 1-based): chr3:94,050,841, A>G. VCF-style: chr3-94050841-A-G. GRCh37 (hg19) VCF-style: chr3-93769685-A-G.
Other names: c.850A>G, p.Lys284Glu (NM_001174151.2); c.1114A>G, p.Lys372Glu (NM_001321328.2); c.838A>G, p.Lys280Glu (NM_144996.4); c.1159A>G, p.Lys387Glu (NM_182896.3); short protein forms K372E, K387E, K284E, K280E.
Identifiers: ClinVar variation 1387004 (VCV001387004.3), dbSNP rs773535816, ClinGen allele CA2504294.

ClinVar aggregate classification (germline): Uncertain significance (1 of 4 stars; one submission).

Conditions:
Joubert syndrome 8 (JBTS8). Identifiers: Orphanet 475, MedGen C2676771, MONDO:0012855, OMIM 612291.

Allele frequency attached by ClinVar (database versions not stated): gnomAD 0.00001; gnomAD exomes 0.00001; ExAC 0.00002; TOPMed 0.00002.
gnomAD v4.1: 17 of 1,612,620 alleles (0.0011%); highest among the groups gnomAD compares: Non-Finnish European, 0.0012%; no homozygotes.

Submission:

Labcorp Genetics (formerly Invitae), Labcorp
Classification: Uncertain significance for Joubert syndrome 8. Last evaluated: 2022-08-15. Review status: criteria provided, single submitter. Criteria: Invitae Variant Classification Sherloc (09022015). Collection method: clinical testing. Allele origin: germline.
Comment: This sequence change replaces lysine, which is basic and polar, with glutamic acid, which is acidic and polar, at codon 387 of the ARL13B protein (p.Lys387Glu). This variant is present in population databases (rs773535816, gnomAD 0.003%). This variant has not been reported in the literature in individuals affected with ARL13B-related conditions. ClinVar contains an entry for this variant (Variation ID: 1387004). Algorithms developed to predict the effect of missense changes on protein structure and function are either unavailable or do not agree on the potential impact of this missense change (SIFT: "Deleterious"; PolyPhen-2: "Possibly Damaging"; Align-GVGD: "Class C0"). In summary, the available evidence is currently insufficient to determine the role of this variant in disease. Therefore, it has been classified as a Variant of Uncertain Significance.